The following is an entry in ClinVar:

NM_182894.3(VSX2):c.*291A>T

Gene: VSX2 (visual system homeobox 2; plus strand). Cytogenetic location: 14q24.3.
Variant type: single nucleotide variant.
Coding change: c.*291A>T on transcript NM_182894.3 (MANE Select); 291 bases downstream of the stop codon, A replaced by T.
Molecular consequence: 3 prime UTR variant.
Genome position (GRCh38, 1-based): chr14:74,261,210, A>T. VCF-style: chr14-74261210-A-T. GRCh37 (hg19) VCF-style: chr14-74727913-A-T.
Identifiers: ClinVar variation 887123 (VCV000887123.6), dbSNP rs148109679, ClinGen allele CA263562459.

ClinVar aggregate classification (germline): Conflicting classifications of pathogenicity. Review status: criteria provided, conflicting classifications (1 of 4 stars). 3 submissions from 2 submitters: Uncertain significance (1); Likely benign (2). Last evaluated 2019-05-17.

Conditions:
Microphthalmia, isolated, with coloboma 3 (MCOPCB3). Also called: MICROPHTHALMIA/COLOBOMA 3; MICROPHTHALMIA, COLOBOMATOUS, 3. Identifiers: Orphanet 98938, MedGen C1864721, MONDO:0012408, OMIM 610092.
Isolated microphthalmia 2. Identifiers: Orphanet 2542, MedGen C1864720, MONDO:0012409, OMIM 610093.

Allele frequency attached by ClinVar (database versions not stated): gnomAD exomes 0.00083; gnomAD 0.00577 and 0.00619; TOPMed 0.00650; 1000 Genomes Project 0.00759; 1000 Genomes Project 30x 0.00796.
gnomAD v4.1: 1,151 of 467,776 alleles (0.25%); highest among the groups gnomAD compares: African/African-American, 2%; 9 homozygotes.

Submissions (3):

GeneDx
Classification: Likely benign. Last evaluated: 2019-05-17. Review status: criteria provided, single submitter. Criteria: GeneDx Variant Classification Process June 2021. Collection method: clinical testing. Allele origin: germline. Affected: yes.

Illumina Laboratory Services, Illumina
Classification: Uncertain significance for Microphthalmia, isolated, with coloboma 3. Last evaluated: 2018-01-12. Review status: criteria provided, single submitter. Criteria: ICSL Variant Classification Criteria 13 December 2019. Collection method: clinical testing. Allele origin: germline.

Illumina Laboratory Services, Illumina
Classification: Likely benign for Isolated microphthalmia 2. Last evaluated: 2018-01-12. Review status: criteria provided, single submitter. Criteria: ICSL Variant Classification Criteria 13 December 2019. Collection method: clinical testing. Allele origin: germline.
Comment: This variant was observed in the ICSL laboratory as part of a predisposition screen in an ostensibly healthy population. It had not been previously curated by ICSL or reported in the Human Gene Mutation Database (HGMD: prior to June 1st, 2018), and was therefore a candidate for classification through an automated scoring system. Utilizing variant allele frequency, disease prevalence and penetrance estimates, and inheritance mode, an automated score was calculated to assess if this variant is too frequent to cause the disease. Based on the score and internal cut-off values, a variant classified as likely benign is not then subjected to further curation. The score for this variant resulted in a classification of likely benign for this disease.